The following is an entry in ClinVar:

NM_001040108.2(MLH3):c.195T>G (p.Asp65Glu)

Gene: MLH3 (mutL homolog 3; minus strand). Cytogenetic location: 14q24.3.
Variant type: single nucleotide variant.
Coding change: c.195T>G on transcript NM_001040108.2 (MANE Select); coding-DNA position 195, T replaced by G.
Protein change: p.Asp65Glu; replaces aspartic acid 65 with glutamic acid.
Molecular consequence: missense variant.
Genome position (GRCh38, 1-based): chr14:75,049,461, A>C on the plus strand (T>G on the coding strand, the complement: MLH3 is on the minus strand). VCF-style: chr14-75049461-A-C. GRCh37 (hg19) VCF-style: chr14-75516164-A-C.
Other names: c.195T>G, p.Asp65Glu (NM_014381.3); short protein forms D65E.
Identifiers: ClinVar variation 3232465 (VCV003232465.1), dbSNP rs746192170, ClinGen allele CA7276078.
Genomic context (GRCh38, chr14:75,049,461, plus strand): 5'-CTCCAAGTCCTGTACCGAGTGGCATTTACTGGTGAAATAACGATTTCCCACTTTCTCTAC[A>C]TCATCACTCCCCATCCCAAATCCATTGTCTATCACTTGAACTTGGAAGGTTTCCATATTC-3'
Protein context (NP_001035197.1, residues 55-75): IDNGFGMGSD[Asp65Glu]VEKVGNRYFT

ClinVar aggregate classification (germline): Uncertain significance (1 of 4 stars; one submission).

gnomAD v4.1: 4 of 1,614,078 alleles (0.00025%); highest among the groups gnomAD compares: East Asian, 0.0045%; no homozygotes.

Submission:

Ambry Genetics
Classification: Uncertain significance. Last evaluated: 2023-11-14. Review status: criteria provided, single submitter. Criteria: Ambry Variant Classification Scheme 2023. Collection method: clinical testing. Allele origin: germline.
Comment: The p.D65E variant (also known as c.195T>G), located in coding exon 1 of the MLH3 gene, results from a T to G substitution at nucleotide position 195. The aspartic acid at codon 65 is replaced by glutamic acid, an amino acid with highly similar properties. This amino acid position is conserved. In addition, the in silico prediction for this alteration is inconclusive. Since supporting evidence is limited at this time, the clinical significance of this alteration remains unclear.